The following is an entry in ClinVar:

NM_018896.5(CACNA1G):c.6077C>T (p.Thr2026Met)

Gene: CACNA1G (calcium voltage-gated channel subunit alpha1 G; plus strand). Cytogenetic location: 17q21.33.
Variant type: single nucleotide variant.
Coding change: c.6077C>T on transcript NM_018896.5 (MANE Select); coding-DNA position 6077, C replaced by T.
Protein change: p.Thr2026Met; replaces threonine 2026 with methionine.
Molecular consequence: missense variant. On other transcripts: non-coding transcript variant (5).
Genome position (GRCh38, 1-based): chr17:50,623,923, C>T. VCF-style: chr17-50623923-C-T. GRCh37 (hg19) VCF-style: chr17-48701284-C-T.
Other names: c.5744C>T, p.Thr1915Met (NM_198386.3); c.5696C>T, p.Thr1899Met (NM_198387.3, NM_001256329.2, NM_198376.3); c.5675C>T, p.Thr1892Met (NM_198388.3); c.5975C>T, p.Thr1992Met (NM_198396.3); c.5888C>T, p.Thr1963Met (NM_001256324.2); c.5819C>T, p.Thr1940Met (NM_001256325.2); c.5807C>T, p.Thr1936Met (NM_001256326.2); c.5777C>T, p.Thr1926Met (NM_001256327.2); and 15 more; short protein forms T1876M, T1881M, T1888M, T1892M, T1895M, T1897M, T1899M, T1906M.
Identifiers: ClinVar variation 1304931 (VCV001304931.32), dbSNP rs375919039, ClinGen allele CA8653578.
Genomic context (GRCh38, chr17:50,623,923, plus strand): 5'-CGCACACCCTCTTCCTCCACCTCCCTCCCCTGTTCCTTTTGCAGATGCAGCCCCACCCCA[C>T]GGAGCTGCCAGGACCAGACTTACTGACTGTGCGGAAGTCTGGGGTCAGCCGAACGCACTC-3'
Protein context (NP_061496.2, residues 2016-2036): ALESNMQPHP[Thr2026Met]ELPGPDLLTV

ClinVar aggregate classification (germline): Benign/Likely benign. Review status: criteria provided, multiple submitters, no conflicts (2 of 4 stars). 5 submissions from 5 submitters: Benign (3); Likely benign (1). 1 of the submissions does not count toward it. Last evaluated 2025-09-13.

Conditions:
CACNA1G-related disorder. Also called: CACNA1G-related condition; CACNA1G-related disorders.

Allele frequency attached by ClinVar (database versions not stated): gnomAD exomes 0.00008 and 0.00035; gnomAD 0.00011 and 0.00027; TOPMed 0.00014; ExAC 0.00035; 1000 Genomes Project 30x 0.00219; 1000 Genomes Project 0.00220.
gnomAD v4.1: 212 of 1,610,586 alleles (0.013%); highest among the groups gnomAD compares: East Asian, 0.18%; 3 homozygotes.

Submissions (5):

Labcorp Genetics (formerly Invitae), Labcorp
Classification: Benign. Last evaluated: 2025-09-13. Review status: criteria provided, single submitter. Criteria: Invitae Variant Classification Sherloc (09022015). Collection method: clinical testing. Allele origin: germline.

Blueprint Genetics
Classification: Likely benign. Last evaluated: 2024-11-05. Review status: criteria provided, single submitter. Criteria: ACMG Guidelines, 2015. Collection method: clinical testing. Allele origin: germline.

CeGaT Center for Human Genetics Tuebingen
Classification: Benign. Last evaluated: 2023-06-01. Review status: criteria provided, single submitter. Criteria: CeGaT Center For Human Genetics Tuebingen Variant Classification Criteria Version 2. Collection method: clinical testing. Allele origin: germline. Affected: yes. Observed: 1 variant allele.
Comment: CACNA1G: BS1, BS2

GeneDx
Classification: Benign. Last evaluated: 2021-10-11. Review status: criteria provided, single submitter. Criteria: GeneDx Variant Classification Process June 2021. Collection method: clinical testing. Allele origin: germline. Affected: yes.

PreventionGenetics, part of Exact Sciences
Classification: Likely benign for CACNA1G-related condition. Last evaluated: 2019-02-26. Review status: no assertion criteria provided. Collection method: clinical testing. Allele origin: germline. Not counted in ClinVar's aggregate classification.
Comment: This variant is classified as likely benign based on ACMG/AMP sequence variant interpretation guidelines (Richards et al. 2015 PMID: 25741868, with internal and published modifications).